The following is an entry in ClinVar:

ClinVar aggregate classification (germline): Uncertain significance (1 of 4 stars; one submission).

gnomAD v4.1: 5 of 1,610,222 alleles (0.00031%); highest among the groups gnomAD compares: Non-Finnish European, 0.00025%; no homozygotes.

Submission:

Labcorp Genetics (formerly Invitae), Labcorp
Classification: Uncertain significance. Last evaluated: 2022-05-27. Review status: criteria provided, single submitter. Criteria: Invitae Variant Classification Sherloc (09022015). Collection method: clinical testing. Allele origin: germline.
Comment: This sequence change replaces alanine, which is neutral and non-polar, with serine, which is neutral and polar, at codon 469 of the TYMP protein (p.Ala469Ser). This variant is present in population databases (no rsID available, gnomAD 0.01%). This variant has not been reported in the literature in individuals affected with TYMP-related conditions. Advanced modeling of protein sequence and biophysical properties (such as structural, functional, and spatial information, amino acid conservation, physicochemical variation, residue mobility, and thermodynamic stability) performed at Invitae indicates that this missense variant is not expected to disrupt TYMP protein function. In summary, the available evidence is currently insufficient to determine the role of this variant in disease. Therefore, it has been classified as a Variant of Uncertain Significance.

NM_001953.5(TYMP):c.1405G>T (p.Ala469Ser)

Genes: SCO2 (synthesis of cytochrome C oxidase 2; minus strand), TYMP (thymidine phosphorylase; minus strand), LOC130067862 (ATAC-STARR-seq lymphoblastoid silent region 13986; plus strand). Cytogenetic location: 22q13.33.
Variant type: single nucleotide variant.
Coding change: c.1405G>T on transcript NM_001953.5 (MANE Select); coding-DNA position 1405, G replaced by T.
Protein change: p.Ala469Ser; replaces alanine 469 with serine.
Molecular consequence: missense variant. On other transcripts: intron variant (2).
Genome position (GRCh38, 1-based): chr22:50,525,814, C>A on the plus strand (G>T on the coding strand, the complement: TYMP is on the minus strand). VCF-style: chr22-50525814-C-A. GRCh37 (hg19) VCF-style: chr22-50964243-C-A.
Other names: c.1405G>T, p.Ala469Ser (NM_001113755.3, NM_001113756.3, NM_001257988.1); c.1420G>T, p.Ala474Ser (NM_001257989.1); c.-14+432G>T (NM_001169109.2); c.-14+187G>T (NM_001169110.1); short protein forms A474S, A469S.
Identifiers: ClinVar variation 1932047 (VCV001932047.2), dbSNP rs1394951112, ClinGen allele CA412196011.